The following is an entry in ClinVar:

ClinVar aggregate classification (germline): Pathogenic. Review status: criteria provided, multiple submitters, no conflicts (2 of 4 stars). 4 submissions from 4 submitters: Pathogenic (3). 1 of the submissions does not count toward it. Last evaluated 2025-03-16.

Conditions:
FRMD7-related disorders.
Nystagmus 1, congenital, X-linked. Also called: NYSTAGMUS, INFANTILE PERIODIC ALTERNATING, X-LINKED; FRMD7-Related Infantile Nystagmus; NYSTAGMUS, INFANTILE IDIOPATHIC; NYSTAGMUS 1, INFANTILE, X-LINKED; NYSTAGMUS, CONGENITAL MOTOR, 1. Identifiers: MedGen C1839580, MONDO:0010693, OMIM 310700.

Allele frequency attached by ClinVar (database versions not stated): gnomAD exomes below 0.00001 and 0.00001; ExAC 0.00001.
gnomAD v4.1: 3 of 1,202,602 alleles (0.00025%); highest among the groups gnomAD compares: Non-Finnish European, 0.00034%; no homozygotes.

Submissions (4):

Labcorp Genetics (formerly Invitae), Labcorp
Classification: Pathogenic. Last evaluated: 2025-03-16. Review status: criteria provided, single submitter. Criteria: Invitae Variant Classification Sherloc (09022015). Collection method: clinical testing. Allele origin: germline.
Comment: This sequence change creates a premature translational stop signal (p.Arg335*) in the FRMD7 gene. It is expected to result in an absent or disrupted protein product. Loss-of-function variants in FRMD7 are known to be pathogenic (PMID: 17013395). This variant is present in population databases (rs137852208, gnomAD 0.001%). This premature translational stop signal has been observed in individual(s) with X-linked idiopathic congenital nystagmus (PMID: 17013395, 24513357). It has also been observed to segregate with disease in related individuals. ClinVar contains an entry for this variant (Variation ID: 10783). Algorithms developed to predict the effect of sequence changes on RNA splicing suggest that this variant may disrupt the consensus splice site. For these reasons, this variant has been classified as Pathogenic.

Fulgent Genetics
Classification: Pathogenic for Nystagmus 1, congenital, X-linked. Last evaluated: 2021-09-04. Review status: criteria provided, single submitter. Criteria: ACMG Guidelines, 2015. Collection method: clinical testing. Allele origin: unknown.

Blueprint Genetics
Classification: Pathogenic for FRMD7-related disorders. Last evaluated: 2021-06-03. Review status: criteria provided, single submitter. Criteria: ACMG Guidelines, 2015. Collection method: clinical testing. Allele origin: germline. Affected: yes. Observed: 5 variant alleles.

OMIM
Classification: Pathogenic for NYSTAGMUS 1, CONGENITAL, X-LINKED. Last evaluated: 2011-03-01. Review status: no assertion criteria provided. Collection method: literature only. Allele origin: germline. Not counted in ClinVar's aggregate classification.

Literature cited by the submitters: PubMed 17013395 (cited by Labcorp Genetics (formerly Invitae), Labcorp and OMIM); PubMed 24513357 (cited by Labcorp Genetics (formerly Invitae), Labcorp); PubMed 21303855 (cited by OMIM).

NM_194277.3(FRMD7):c.1003C>T (p.Arg335Ter)

Gene: FRMD7 (FERM domain containing 7; minus strand). Cytogenetic location: Xq26.2.
Variant type: single nucleotide variant.
Coding change: c.1003C>T on transcript NM_194277.3 (MANE Select); coding-DNA position 1003, C replaced by T.
Protein change: p.Arg335Ter; replaces arginine 335 with a stop codon.
Molecular consequence: nonsense.
Genome position (GRCh38, 1-based): chrX:132,080,053, G>A on the plus strand (C>T on the coding strand, the complement: FRMD7 is on the minus strand). VCF-style: chrX-132080053-G-A. GRCh37 (hg19) VCF-style: chrX-131214081-G-A.
Other names: c.958C>T, p.Arg320Ter (NM_001306193.2); short protein forms R335*, R320*.
Identifiers: ClinVar variation 10783 (VCV000010783.11), dbSNP rs137852208, ClinGen allele CA255538.